The following is an entry in ClinVar:

ClinVar aggregate classification (germline): Uncertain significance (1 of 4 stars; one submission).

Conditions:
Autosomal recessive limb-girdle muscular dystrophy type 2O. Also called: Limb-Girdle Muscular Dystrophy Type 3C; MUSCULAR DYSTROPHY-DYSTROGLYCANOPATHY (LIMB-GIRDLE), TYPE C, 3; MUSCULAR DYSTROPHY-DYSTROGLYCANOPATHY, LIMB-GIRDLE, POMGNT1-RELATED. Identifiers: Orphanet 206564, MedGen C3150417, MONDO:0013161, OMIM 613157.
Muscular dystrophy-dystroglycanopathy (congenital with impaired intellectual development), type B, 3. Also called: MUSCULAR DYSTROPHY, CONGENITAL, POMGNT1-RELATED; Muscular dystrophy-dystroglycanopathy (congenital with intellectual disability), type B3. Identifiers: MedGen C3150412, MONDO:0013155, OMIM 613151.

Allele frequency attached by ClinVar (database versions not stated): gnomAD exomes below 0.00001.

Submission:

Labcorp Genetics (formerly Invitae), Labcorp
Classification: Uncertain significance for Autosomal recessive limb-girdle muscular dystrophy type 2O; Muscular dystrophy-dystroglycanopathy (congenital with impaired intellectual development), type B, 3. Last evaluated: 2021-09-01. Review status: criteria provided, single submitter. Criteria: Invitae Variant Classification Sherloc (09022015). Collection method: clinical testing. Allele origin: germline.
Comment: This sequence change replaces alanine with threonine at codon 577 of the POMGNT1 protein (p.Ala577Thr). The alanine residue is moderately conserved and there is a small physicochemical difference between alanine and threonine. This variant is not present in population databases (ExAC no frequency). This variant has not been reported in the literature in individuals affected with POMGNT1-related conditions. Algorithms developed to predict the effect of missense changes on protein structure and function output the following: SIFT: "Tolerated"; PolyPhen-2: "Benign"; Align-GVGD: "Class C0". The threonine amino acid residue is found in multiple mammalian species, which suggests that this missense change does not adversely affect protein function. In summary, the available evidence is currently insufficient to determine the role of this variant in disease. Therefore, it has been classified as a Variant of Uncertain Significance.

NM_017739.4(POMGNT1):c.1729G>A (p.Ala577Thr)

Genes: POMGNT1 (protein O-linked mannose N-acetylglucosaminyltransferase 1 (beta 1,2-); minus strand), TSPAN1 (tetraspanin 1; plus strand). Cytogenetic location: 1p34.1.
Variant type: single nucleotide variant.
Coding change: c.1729G>A on transcript NM_017739.4 (MANE Select); coding-DNA position 1729, G replaced by A.
Protein change: p.Ala577Thr; replaces alanine 577 with threonine.
Molecular consequence: missense variant.
Genome position (GRCh38, 1-based): chr1:46,189,910, C>T on the plus strand (G>A on the coding strand, the complement: POMGNT1 is on the minus strand). VCF-style: chr1-46189910-C-T. GRCh37 (hg19) VCF-style: chr1-46655582-C-T.
Other names: c.1729G>A, p.Ala577Thr (NM_001243766.2, NM_001410783.1); c.1663G>A, p.Ala555Thr (NM_001290129.3); c.1300G>A, p.Ala434Thr (NM_001290130.2); short protein forms A434T, A555T, A577T.
Identifiers: ClinVar variation 1414686 (VCV001414686.5), dbSNP rs1343659692, ClinGen allele CA340171389.
Genomic context (GRCh38, chr1:46,189,910, plus strand): 5'-GCACCTTGGCAAGCTGGGTCCAGGTGGTGAAGTCATCATCTTTCTCCATTCGAATAAAGG[C>T]CACGTAGGTGTGGCCCTCTGTGTCTGGCAGGAAAGAGTCTTCACAAGGGTTCTTGCTGTG-3'
Protein context (NP_060209.4, residues 567-587): LPDTEGHTYV[Ala577Thr]FIRMEKDDDF